The following is an entry in ClinVar:

ClinVar aggregate classification (germline): Benign. Review status: criteria provided, multiple submitters, no conflicts (2 of 4 stars). 6 submissions from 6 submitters: Benign (6). Last evaluated 2026-02-04.

Allele frequency attached by ClinVar (database versions not stated): ESP Exome Variant Server 0.04890; gnomAD 0.06624 and 0.07111; gnomAD exomes 0.07783 and 0.10745; TOPMed 0.08120; ExAC 0.10177; 1000 Genomes Project 30x 0.10478; 1000 Genomes Project 0.10583.
gnomAD v4.1: 119,885 of 1,554,594 alleles (7.7%); highest among the groups gnomAD compares: East Asian, 27%; 6,941 homozygotes.

Submissions (6):

Labcorp Genetics (formerly Invitae), Labcorp
Classification: Benign. Last evaluated: 2026-02-04. Review status: criteria provided, single submitter. Criteria: Invitae Variant Classification Sherloc (09022015). Collection method: clinical testing. Allele origin: germline.

ARUP Laboratories, Molecular Genetics and Genomics, ARUP Laboratories
Classification: Benign. Last evaluated: 2025-06-13. Review status: criteria provided, single submitter. Criteria: ARUP Molecular Germline Variant Investigation Process 2024. Collection method: clinical testing. Allele origin: germline.

Blueprint Genetics
Classification: Benign. Last evaluated: 2024-11-26. Review status: criteria provided, single submitter. Criteria: ACMG Guidelines, 2015. Collection method: clinical testing. Allele origin: germline.

GeneDx
Classification: Benign. Last evaluated: 2018-09-06. Review status: criteria provided, single submitter. Criteria: GeneDx Variant Classification Process June 2021. Collection method: clinical testing. Allele origin: germline. Affected: yes.

Women's Health and Genetics/Laboratory Corporation of America, LabCorp
Classification: Benign. Last evaluated: 2017-07-05. Review status: criteria provided, single submitter. Criteria: LabCorp Variant Classification Summary - May 2015. Collection method: clinical testing. Allele origin: germline.
Comment: Variant summary: The RASA2 c.2519+10T>G variant involves the alteration of a non-conserved intronic nucleotide. Mutation taster predicts a benign outcome for this variant. 5/5 splice prediction tools predict no significant impact on normal splicing. This variant was found in 11832/116264 control chromosomes (1040 homozygotes) at a frequency of 0.1017684, which is approximately 20354 times the estimated maximal expected allele frequency of a pathogenic RASA2 variant (0.000005), thus this variant is a common benign polymorphism. Therefore, this variant is classified as benign.

Breakthrough Genomics
Classification: Benign. Review status: criteria provided, single submitter. Criteria: ACMG Guidelines, 2015. Collection method: not provided. Allele origin: germline. Inheritance: Unknown mechanism. Affected: yes.

NM_006506.5(RASA2):c.2519+10T>G

Gene: RASA2 (RAS p21 protein activator 2; plus strand). Cytogenetic location: 3q23.
Variant type: single nucleotide variant.
Coding change: c.2519+10T>G on transcript NM_006506.5 (MANE Select); 10 bases into the intron after coding-DNA position 2519, T replaced by G.
Molecular consequence: intron variant.
Genome position (GRCh38, 1-based): chr3:141,610,076, T>G. VCF-style: chr3-141610076-T-G. GRCh37 (hg19) VCF-style: chr3-141328918-T-G.
Other names: c.2522+10T>G (NM_001303245.3); c.2531+10T>G (NM_001303246.3).
Identifiers: ClinVar variation 496325 (VCV000496325.63), dbSNP rs295324, ClinGen allele CA2645854.